The following is an entry in ClinVar:

ClinVar aggregate classification (germline): Benign (1 of 4 stars; one submission).

Allele frequency attached by ClinVar (database versions not stated): gnomAD 0.03167.
gnomAD v4.1: 1,275 of 40,450 alleles (3.2%); highest among the groups gnomAD compares: Non-Finnish European, 4.5%; 11 homozygotes.

Submission:

Unidad de Genómica Garrahan, Hospital de Pediatría Garrahan
Classification: Benign. Last evaluated: 2023-11-12. Review status: criteria provided, single submitter. Criteria: ACMG Guidelines, 2015. Collection method: clinical testing. Allele origin: germline. Affected: no. Observed: 29 variant alleles.
Comment: This variant is classified as Benign based on local population frequency. This variant was detected in 30% of patients studied by a panel of primary immunodeficiencies. Number of patients: 29. Only high quality variants are reported.

NM_001243133.2(NLRP3):c.2322-166G>A

Gene: NLRP3 (NLR family pyrin domain containing 3; plus strand). Cytogenetic location: 1q44.
Variant type: single nucleotide variant.
Coding change: c.2322-166G>A on transcript NM_001243133.2 (MANE Select); 166 bases into the intron before coding-DNA position 2322, G replaced by A.
Molecular consequence: intron variant.
Genome position (GRCh38, 1-based): chr1:247,433,937, G>A. VCF-style: chr1-247433937-G-A. GRCh37 (hg19) VCF-style: chr1-247597239-G-A.
Other names: c.2328-166G>A (NM_004895.5); c.2322-166G>A (NM_001127461.3, NM_001079821.3); c.2151-166G>A (NM_001127462.3, NM_183395.3).
Identifiers: ClinVar variation 2628239 (VCV002628239.2), dbSNP rs78648901, ClinGen allele CA40703453.